The following is an entry in ClinVar:

NM_001382391.1(CSPP1):c.683A>G (p.Asn228Ser)

Gene: CSPP1 (centrosome and spindle pole associated protein 1; plus strand). Cytogenetic location: 8q13.1.
Variant type: single nucleotide variant.
Coding change: c.683A>G on transcript NM_001382391.1 (MANE Select); coding-DNA position 683, A replaced by G.
Protein change: p.Asn228Ser; replaces asparagine 228 with serine.
Molecular consequence: missense variant. On other transcripts: 5 prime UTR variant (1).
Genome position (GRCh38, 1-based): chr8:67,095,492, A>G. VCF-style: chr8-67095492-A-G. GRCh37 (hg19) VCF-style: chr8-68007727-A-G.
Other names: c.-173A>G (NM_001291339.2); c.602A>G, p.Asn201Ser (NM_001363131.2, NM_001363133.2); c.683A>G, p.Asn228Ser (NM_001363132.2); c.791A>G, p.Asn264Ser (NM_001364869.1); c.710A>G, p.Asn237Ser (NM_001364870.1, NM_024790.7); short protein forms N228S, N201S, N237S, N264S.
Identifiers: ClinVar variation 1382750 (VCV001382750.3), dbSNP rs765332591, ClinGen allele CA4770338.
Genomic context (GRCh38, chr8:67,095,492, plus strand): 5'-ACCAAAGACGACTAGAGGAGGACAGATACCGACAACTAGATGATGAAATCGAATTAAGGA[A>G]TAGAAGAATTATTAAAAAAGCAAATGAAGAAGTGGGCATTTCCAACCTAAAACATCAAAG-3'
Protein context (NP_001369320.1, residues 218-238): RQLDDEIELR[Asn228Ser]RRIIKKANEE

ClinVar aggregate classification (germline): Uncertain significance (1 of 4 stars; one submission).

Conditions:
Joubert syndrome 21 (JBTS21). Identifiers: MedGen C3810212, MONDO:0014288, OMIM 615636.

Allele frequency attached by ClinVar (database versions not stated): gnomAD exomes 0.00001 and 0.00002; ExAC 0.00003.
gnomAD v4.1: 6 of 1,613,626 alleles (0.00037%); highest among the groups gnomAD compares: East Asian, 0.013%; no homozygotes.

Submission:

Labcorp Genetics (formerly Invitae), Labcorp
Classification: Uncertain significance for Joubert syndrome 21. Last evaluated: 2022-07-19. Review status: criteria provided, single submitter. Criteria: Invitae Variant Classification Sherloc (09022015). Collection method: clinical testing. Allele origin: germline.
Comment: This sequence change replaces asparagine, which is neutral and polar, with serine, which is neutral and polar, at codon 237 of the CSPP1 protein (p.Asn237Ser). This variant is present in population databases (rs765332591, gnomAD 0.02%). This variant has not been reported in the literature in individuals affected with CSPP1-related conditions. ClinVar contains an entry for this variant (Variation ID: 1382750). Algorithms developed to predict the effect of missense changes on protein structure and function output the following: SIFT: "Tolerated"; PolyPhen-2: "Benign"; Align-GVGD: "Class C0". The serine amino acid residue is found in multiple mammalian species, which suggests that this missense change does not adversely affect protein function. In summary, the available evidence is currently insufficient to determine the role of this variant in disease. Therefore, it has been classified as a Variant of Uncertain Significance.